The following is an entry in ClinVar:

ClinVar aggregate classification (germline): Uncertain significance (1 of 4 stars; one submission).

Submission:

GeneDx
Classification: Uncertain significance. Last evaluated: 2026-03-06. Review status: criteria provided, single submitter. Criteria: GeneDx Variant Classification Process June 2021. Collection method: clinical testing. Allele origin: germline.
Comment: Not observed at significant frequency in large population cohorts (gnomAD); In silico analysis supports that this missense variant has a deleterious effect on protein structure/function; Has not been previously published as pathogenic or benign to our knowledge

NM_000069.3(CACNA1S):c.1435A>T (p.Met479Leu)

Gene: CACNA1S (calcium voltage-gated channel subunit alpha1 S; minus strand). Cytogenetic location: 1q32.1.
Variant type: single nucleotide variant.
Coding change: c.1435A>T on transcript NM_000069.3 (MANE Select); coding-DNA position 1435, A replaced by T.
Protein change: p.Met479Leu; replaces methionine 479 with leucine.
Molecular consequence: missense variant.
Genome position (GRCh38, 1-based): chr1:201,078,063, T>A on the plus strand (A>T on the coding strand, the complement: CACNA1S is on the minus strand). VCF-style: chr1-201078063-T-A. GRCh37 (hg19) VCF-style: chr1-201047191-T-A.
Other names: short protein forms M479L.
Identifiers: ClinVar variation 5008747 (VCV005008747.1).